The following is an entry in ClinVar:

ClinVar aggregate classification (germline): Conflicting classifications of pathogenicity. Review status: criteria provided, conflicting classifications (1 of 4 stars). 4 submissions from 4 submitters: Likely pathogenic (1); Uncertain significance (1); Likely benign (1). 1 of the submissions does not count toward it. Last evaluated 2025-07-01.

Conditions:
ROS1-related disorder. Also called: ROS1-related condition.
Abnormal brain morphology. Also called: Abnormality of brain morphology. Identifiers: MedGen C4021085, HP:0012443.

Allele frequency attached by ClinVar (database versions not stated): ESP Exome Variant Server 0.00038; gnomAD 0.00050 and 0.00081; TOPMed 0.00056; 1000 Genomes Project 30x 0.00187; 1000 Genomes Project 0.00200.
gnomAD v4.1: 1,791 of 1,609,766 alleles (0.11%); highest among the groups gnomAD compares: South Asian, 0.93%; 17 homozygotes.

Submissions (5):

CeGaT Center for Human Genetics Tuebingen
Classification: Likely benign. Last evaluated: 2025-07-01. Review status: criteria provided, single submitter. Criteria: CeGaT Center For Human Genetics Tuebingen Variant Classification Criteria Version 2. Collection method: clinical testing. Allele origin: germline. Affected: yes. Observed: 2 variant alleles.
Comment: ROS1: BS2

Mendelics
Classification: Uncertain significance. Last evaluated: 2022-05-04. Review status: criteria provided, single submitter. Criteria: Mendelics Assertion Criteria 2019. Collection method: clinical testing. Allele origin: germline.

Lupski Lab, Baylor-Hopkins CMG, Baylor College of Medicine
Classification: Likely pathogenic for Abnormal brain morphology. Review status: criteria provided, single submitter. Criteria: Karaca et al. (Neuron 2015). Collection method: research. Allele origin: inherited. Inheritance: Autosomal recessive inheritance. Affected: yes.

PreventionGenetics, part of Exact Sciences
Classification: Likely benign for ROS1-related condition. Last evaluated: 2020-10-12. Review status: no assertion criteria provided. Collection method: clinical testing. Allele origin: germline. Not counted in ClinVar's aggregate classification.
Comment: This variant is classified as likely benign based on ACMG/AMP sequence variant interpretation guidelines (Richards et al. 2015 PMID: 25741868, with internal and published modifications).

Dr. Peter K. Rogan Lab, Western University
No classification provided (evidence only). Condition: Ovarian serous cystadenocarcinoma. Review status: no classification provided. Collection method: in vitro. Allele origin: not applicable. Functional consequence: retained intron. Not counted in ClinVar's aggregate classification.

NM_001378902.1(ROS1):c.1121G>C (p.Gly374Ala)

Gene: ROS1 (ROS proto-oncogene 1, receptor tyrosine kinase; minus strand). Cytogenetic location: 6q22.1.
Variant type: single nucleotide variant.
Coding change: c.1121G>C on transcript NM_001378902.1 (MANE Select); coding-DNA position 1121, G replaced by C.
Protein change: p.Gly374Ala; replaces glycine 374 with alanine.
Molecular consequence: missense variant.
Genome position (GRCh38, 1-based): chr6:117,394,232, C>G on the plus strand (G>C on the coding strand, the complement: ROS1 is on the minus strand). VCF-style: chr6-117394232-C-G. GRCh37 (hg19) VCF-style: chr6-117715395-C-G.
Other names: NC_000006.11:g.117715395C>G; c.1121G>C, p.Gly374Ala (NM_001378891.1); c.1094G>C, p.Gly365Ala (NM_002944.3); short protein forms G365A, G374A.
Identifiers: ClinVar variation 402166 (VCV000402166.28), dbSNP rs61743088, ClinGen allele CA3975659.